The following is an entry in ClinVar:

ClinVar aggregate classification (germline): Uncertain significance (1 of 4 stars; one submission).

Conditions:
Hypertrophic cardiomyopathy 26. Also called: Cardiomyopathy, familial hypertrophic, 26. Identifiers: Orphanet 75249, MedGen C4310749, MONDO:0014883, OMIM 617047.
Myofibrillar myopathy 5. Also called: Filaminopathy (type); FILAMINOPATHY, AUTOSOMAL DOMINANT. Identifiers: Orphanet 171445, MedGen C1836050, MONDO:0012289, OMIM 609524.
Distal myopathy with posterior leg and anterior hand involvement. Also called: WILLIAMS DISTAL MYOPATHY. Identifiers: Orphanet 63273, MedGen C3279722, MONDO:0013550, OMIM 614065.

Submission:

Labcorp Genetics (formerly Invitae), Labcorp
Classification: Uncertain significance for Distal myopathy with posterior leg and anterior hand involvement; Myofibrillar myopathy 5; Hypertrophic cardiomyopathy 26. Last evaluated: 2026-01-04. Review status: criteria provided, single submitter. Criteria: Invitae Variant Classification Sherloc (09022015). Collection method: clinical testing. Allele origin: germline.
Comment: This sequence change replaces aspartic acid, which is acidic and polar, with glutamic acid, which is acidic and polar, at codon 124 of the FLNC protein (p.Asp124Glu). This variant is not present in population databases (gnomAD no frequency). This variant has not been reported in the literature in individuals affected with FLNC-related conditions. Invitae Evidence Modeling of protein sequence and biophysical properties (such as structural, functional, and spatial information, amino acid conservation, physicochemical variation, residue mobility, and thermodynamic stability) has been performed for this missense variant. However, the output from this modeling did not meet the statistical confidence thresholds required to predict the impact of this variant on FLNC protein function. In summary, the available evidence is currently insufficient to determine the role of this variant in disease. Therefore, it has been classified as a Variant of Uncertain Significance.

NM_001458.5(FLNC):c.372T>A (p.Asp124Glu)

Gene: FLNC (filamin C; plus strand). Cytogenetic location: 7q32.1.
Variant type: single nucleotide variant.
Coding change: c.372T>A on transcript NM_001458.5 (MANE Select); coding-DNA position 372, T replaced by A.
Protein change: p.Asp124Glu; replaces aspartic acid 124 with glutamic acid.
Molecular consequence: missense variant.
Genome position (GRCh38, 1-based): chr7:128,835,345, T>A. VCF-style: chr7-128835345-T-A. GRCh37 (hg19) VCF-style: chr7-128475399-T-A.
Other names: c.372T>A, p.Asp124Glu (NM_001127487.2); short protein forms D124E.
Identifiers: ClinVar variation 4812394 (VCV004812394.1).
Genomic context (GRCh38, chr7:128,835,345, plus strand): 5'-GTGGGGCGCCCCTGAGCCCGTCTGTGCCCTCCCCTCTGCAGACAGCAAGGCCATCGTGGA[T>A]GGGAACCTGAAGCTGATCCTGGGCCTGATCTGGACGCTGATCCTGCACTACTCCATCTCC-3'
Protein context (NP_001449.3, residues 114-134): LVSIDSKAIV[Asp124Glu]GNLKLILGLI